The following is an entry in ClinVar:

ClinVar aggregate classification (germline): Benign (1 of 4 stars; one submission).

Conditions:
Platelet-type bleeding disorder 9 (BDPLT9). Also called: GLYCOPROTEIN Ia DEFICIENCY; GP Ia DEFICIENCY; COLLAGEN PLATELET RECEPTOR DEFICIENCY. Identifiers: Orphanet 73271, Orphanet 98886, MedGen C3280114, MONDO:0013622, OMIM 614200.

Allele frequency attached by ClinVar (database versions not stated): gnomAD 0.00045; gnomAD exomes 0.00068 and 0.00109; ExAC 0.00069; TOPMed 0.00082; ESP Exome Variant Server 0.00115.
gnomAD v4.1: 1,699 of 1,611,908 alleles (0.11%); highest among the groups gnomAD compares: Non-Finnish European, 0.13%; 3 homozygotes.

Submission:

Illumina Laboratory Services, Illumina
Classification: Benign for Platelet-type bleeding disorder 9. Last evaluated: 2018-03-06. Review status: criteria provided, single submitter. Criteria: ICSL Variant Classification Criteria 13 December 2019. Collection method: clinical testing. Allele origin: germline.
Comment: This variant was observed in the ICSL laboratory as part of a predisposition screen in an ostensibly healthy population. It had not been previously curated by ICSL or reported in the Human Gene Mutation Database (HGMD: prior to June 1st, 2018), and was therefore a candidate for classification through an automated scoring system. Utilizing variant allele frequency, disease prevalence and penetrance estimates, and inheritance mode, an automated score was calculated to assess if this variant is too frequent to cause the disease. Based on the score and internal cut-off values, a variant classified as benign is not then subjected to further curation. The score for this variant resulted in a classification of benign for this disease.

NM_002203.4(ITGA2):c.2483C>T (p.Thr828Met)

Gene: ITGA2 (integrin subunit alpha 2; plus strand). Cytogenetic location: 5q11.2.
Variant type: single nucleotide variant.
Coding change: c.2483C>T on transcript NM_002203.4 (MANE Select); coding-DNA position 2483, C replaced by T.
Protein change: p.Thr828Met; replaces threonine 828 with methionine.
Molecular consequence: missense variant. On other transcripts: non-coding transcript variant (4).
Genome position (GRCh38, 1-based): chr5:53,073,171, C>T. VCF-style: chr5-53073171-C-T. GRCh37 (hg19) VCF-style: chr5-52369001-C-T.
Other names: short protein forms T828M.
Identifiers: ClinVar variation 353767 (VCV000353767.5), dbSNP rs79932422, ClinGen allele CA3263206.